The following is an entry in ClinVar:

NM_001353694.2(TIAM1):c.3816C>T (p.Thr1272=)

Gene: TIAM1 (TIAM Rac1 associated GEF 1; minus strand). Cytogenetic location: 21q22.11.
Variant type: single nucleotide variant.
Coding change: c.3816C>T on transcript NM_001353694.2 (MANE Select); coding-DNA position 3816, C replaced by T.
Protein change: p.Thr1272=; no amino-acid change (threonine 1272 retained).
Molecular consequence: synonymous variant.
Genome position (GRCh38, 1-based): chr21:31,136,000, G>A on the plus strand (C>T on the coding strand, the complement: TIAM1 is on the minus strand). VCF-style: chr21-31136000-G-A. GRCh37 (hg19) VCF-style: chr21-32508318-G-A.
Other names: c.3816C>T, p.Thr1272= (NM_001353692.1, NM_001353693.1, NM_003253.3 and 4 more transcripts); c.915C>T, p.Thr305= (NM_001353684.2); c.840C>T, p.Thr280= (NM_001353685.2); c.3741C>T, p.Thr1247= (NM_001353686.2, NM_001353687.2).
Identifiers: ClinVar variation 3035663 (VCV003035663.9), dbSNP rs141765629, ClinGen allele CA9997709.
Genomic context (GRCh38, chr21:31,136,000, plus strand): 5'-TGCCAACTCTGGTTCCTTTTTCCACTTGCCCAGCGAGGCCGGCGGGTTCAGCCAGATCAC[G>A]GTAGTGTGCAAAAGCAGGTCTCCCATGCTCAGATCTGCAACCTGAAAGCCAGAGACGTGA-3'
Protein context (NP_001340623.1, residues 1262-1282): LSMGDLLLHT[Thr1272=]VIWLNPPASL

ClinVar aggregate classification (germline): Likely benign. Review status: criteria provided, multiple submitters, no conflicts (2 of 4 stars). 3 submissions from 3 submitters: Likely benign (2). 1 of the submissions does not count toward it. Last evaluated 2026-02-01.

Conditions:
TIAM1-related disorder. Also called: TIAM1-related condition.

Allele frequency attached by ClinVar (database versions not stated): gnomAD exomes 0.00033; TOPMed 0.00036; gnomAD 0.00041; ExAC 0.00055; ESP Exome Variant Server 0.00069.
gnomAD v4.1: 568 of 1,614,006 alleles (0.035%); highest among the groups gnomAD compares: Middle Eastern, 0.31%; 1 homozygote.

Submissions (3):

CeGaT Center for Human Genetics Tuebingen
Classification: Likely benign. Last evaluated: 2026-02-01. Review status: criteria provided, single submitter. Criteria: CeGaT Center For Human Genetics Tuebingen Variant Classification Criteria Version 2. Collection method: clinical testing. Allele origin: germline. Affected: yes. Observed: 2 variant alleles.
Comment: TIAM1: BP4, BP7

Blueprint Genetics
Classification: Likely benign. Last evaluated: 2024-11-13. Review status: criteria provided, single submitter. Criteria: ACMG Guidelines, 2015. Collection method: clinical testing. Allele origin: germline.

PreventionGenetics, part of Exact Sciences
Classification: Benign for TIAM1-related condition. Last evaluated: 2019-08-12. Review status: no assertion criteria provided. Collection method: clinical testing. Allele origin: germline. Not counted in ClinVar's aggregate classification.
Comment: This variant is classified as benign based on ACMG/AMP sequence variant interpretation guidelines (Richards et al. 2015 PMID: 25741868, with internal and published modifications).